The following is an entry in ClinVar:

ClinVar aggregate classification (germline): Uncertain significance (1 of 4 stars; one submission).

Conditions:
Familial thoracic aortic aneurysm and aortic dissection (TAAD). Also called: Thoracic aortic aneurysms and dissections. Identifiers: Orphanet 91387, MedGen C4707243, MONDO:0019625.

Submission:

Color Diagnostics, LLC DBA Color Health
Classification: Uncertain significance for Familial thoracic aortic aneurysm and aortic dissection. Last evaluated: 2024-03-07. Review status: criteria provided, single submitter. Criteria: ACMG Guidelines, 2015. Collection method: clinical testing. Allele origin: germline.
Comment: This missense variant replaces threonine with isoleucine at codon 1169 of the MYH11 protein. Computational prediction tools indicate that this variant has a deleterious impact on protein structure and function. To our knowledge, functional studies have not been reported for this variant. This variant has not been reported in individuals affected with MYH11-related disorders in the literature. This variant has not been identified in the general population by the Genome Aggregation Database (gnomAD). The available evidence is insufficient to determine the role of this variant in disease conclusively. Therefore, this variant is classified as a Variant of Uncertain Significance.

NM_002474.3(MYH11):c.3485C>T (p.Thr1162Ile)

Gene: MYH11 (myosin heavy chain 11; minus strand). Cytogenetic location: 16p13.11.
Variant type: single nucleotide variant.
Coding change: c.3485C>T on transcript NM_002474.3 (MANE Select); coding-DNA position 3485, C replaced by T.
Protein change: p.Thr1162Ile; replaces threonine 1162 with isoleucine.
Molecular consequence: missense variant.
Genome position (GRCh38, 1-based): chr16:15,735,387, G>A on the plus strand (C>T on the coding strand, the complement: MYH11 is on the minus strand). VCF-style: chr16-15735387-G-A. GRCh37 (hg19) VCF-style: chr16-15829244-G-A.
Other names: c.3506C>T, p.Thr1169Ile (NM_001040113.2, NM_001040114.2); c.3485C>T, p.Thr1162Ile (NM_022844.3); short protein forms T1162I, T1169I.
Identifiers: ClinVar variation 923009 (VCV000923009.4), dbSNP rs2041086846, ClinGen allele CA394861770.